The following is an entry in ClinVar:

ClinVar aggregate classification (germline): Conflicting classifications of pathogenicity. Review status: criteria provided, conflicting classifications (1 of 4 stars). 4 submissions from 4 submitters: Uncertain significance (2); Likely benign (2). Last evaluated 2026-09-01.

Conditions:
Hereditary cancer-predisposing syndrome. Also called: Neoplastic Syndromes, Hereditary; Hereditary neoplastic syndrome; Hereditary Cancer Syndrome; Tumor predisposition. Identifiers: Orphanet 140162, MedGen C0027672, MeSH D009386, MONDO:0015356.
DICER1-related tumor predisposition. Also called: DICER1 syndrome; DICER1-related pleuropulmonary blastoma cancer predisposition syndrome. Identifiers: Orphanet 284343, MedGen C3839822, MONDO:0100216.

Allele frequency attached by ClinVar (database versions not stated): gnomAD exomes 0.00006; ESP Exome Variant Server 0.00008; ExAC 0.00013; TOPMed 0.00001.
gnomAD v4.1: 43 of 1,613,488 alleles (0.0027%); highest among the groups gnomAD compares: Non-Finnish European, 0.0032%; 1 homozygote.

Submissions (4):

Ambry Genetics
Classification: Likely benign for Hereditary cancer-predisposing syndrome. Last evaluated: 2026-09-01. Review status: criteria provided, single submitter. Criteria: Ambry Variant Classification Scheme 2023. Collection method: clinical testing. Allele origin: germline.

Labcorp Genetics (formerly Invitae), Labcorp
Classification: Likely benign for DICER1-related tumor predisposition. Last evaluated: 2026-01-17. Review status: criteria provided, single submitter. Criteria: Invitae Variant Classification Sherloc (09022015). Collection method: clinical testing. Allele origin: germline.

Hereditary Cancer Group, L’Institut d'Investigació Biomèdica de Bellvitge
Classification: Uncertain significance for Hereditary cancer-predisposing syndrome. Last evaluated: 2024-12-19. Review status: criteria provided, single submitter. Criteria: Hatton et al. (Hum Mutat. 2023). Collection method: clinical testing. Allele origin: germline. Inheritance: Autosomal dominant inheritance. Affected: yes.
Comment: BP4

Sema4
Classification: Uncertain significance for Hereditary cancer-predisposing syndrome. Last evaluated: 2021-08-03. Review status: criteria provided, single submitter. Criteria: Sema4 Curation Guidelines. Collection method: curation. Allele origin: germline.
Comment: To the best of our knowledge, the DICER1 c.376A>G (p.N126D) variant has not been reported in individuals with DICER1-related disease. It was observed in 15/113730 chromosomes of the Non-Finnish European subpopulation in the large and broad cohorts of the Genome Aggregation Database (PMID: 32461654). The variant has been reported in ClinVar (Variation ID 479631). Functional studies have not been performed, and in silico predictions of the variant's effect on protein function are inconclusive. The evidence is insufficient to meet ACMG/AMP criteria for classifying the variant as benign or pathogenic. Thus, the clinical significance of this variant is currently uncertain.

NM_177438.3(DICER1):c.376A>G (p.Asn126Asp)

Gene: DICER1 (dicer 1, ribonuclease III; minus strand). Cytogenetic location: 14q32.13.
Variant type: single nucleotide variant.
Coding change: c.376A>G on transcript NM_177438.3 (MANE Select); coding-DNA position 376, A replaced by G.
Protein change: p.Asn126Asp; replaces asparagine 126 with aspartic acid.
Molecular consequence: missense variant.
Genome position (GRCh38, 1-based): chr14:95,131,571, T>C on the plus strand (A>G on the coding strand, the complement: DICER1 is on the minus strand). VCF-style: chr14-95131571-T-C. GRCh37 (hg19) VCF-style: chr14-95597908-T-C.
Other names: c.376A>G, p.Asn126Asp (NM_001195573.1, NM_001271282.3, NM_001291628.2 and 1 more transcripts); short protein forms N126D.
Identifiers: ClinVar variation 479631 (VCV000479631.20), dbSNP rs373734886, ClinGen allele CA7331682.